The following is an entry in ClinVar:

NM_174912.4(FAAH2):c.1211A>G (p.Tyr404Cys)

Gene: FAAH2 (fatty acid amide hydrolase 2; plus strand). Cytogenetic location: Xp11.21.
Variant type: single nucleotide variant.
Coding change: c.1211A>G on transcript NM_174912.4 (MANE Select); coding-DNA position 1211, A replaced by G.
Protein change: p.Tyr404Cys; replaces tyrosine 404 with cysteine.
Molecular consequence: missense variant. On other transcripts: non-coding transcript variant (2).
Genome position (GRCh38, 1-based): chrX:57,447,022, A>G. VCF-style: chrX-57447022-A-G. GRCh37 (hg19) VCF-style: chrX-57473455-A-G.
Other names: c.1091A>G, p.Tyr364Cys (NM_001353840.1); c.1001A>G, p.Tyr334Cys (NM_001353841.1); short protein forms Y334C, Y364C, Y404C.
Identifiers: ClinVar variation 2660720 (VCV002660720.24), dbSNP rs2521812161, ClinGen allele CA413389507.

ClinVar aggregate classification (germline): Uncertain significance (1 of 4 stars; one submission).

gnomAD v4.1: 2 of 1,194,218 alleles (0.00017%); no homozygotes.

Submission:

CeGaT Center for Human Genetics Tuebingen
Classification: Uncertain significance. Last evaluated: 2023-07-01. Review status: criteria provided, single submitter. Criteria: CeGaT Center For Human Genetics Tuebingen Variant Classification Criteria Version 2. Collection method: clinical testing. Allele origin: germline. Affected: yes. Observed: 1 variant allele.
Comment: FAAH2: PM2, BP4